The following is an entry in ClinVar:

NM_001080467.3(MYO5B):c.31A>C (p.Thr11Pro)

Gene: MYO5B (myosin VB; minus strand). Cytogenetic location: 18q21.1.
Variant type: single nucleotide variant.
Coding change: c.31A>C on transcript NM_001080467.3 (MANE Select); coding-DNA position 31, A replaced by C.
Protein change: p.Thr11Pro; replaces threonine 11 with proline.
Molecular consequence: missense variant.
Genome position (GRCh38, 1-based): chr18:50,055,375, T>G on the plus strand (A>C on the coding strand, the complement: MYO5B is on the minus strand). VCF-style: chr18-50055375-T-G. GRCh37 (hg19) VCF-style: chr18-47581745-T-G.
Other names: short protein forms T11P.
Identifiers: ClinVar variation 1417124 (VCV001417124.6), dbSNP rs2144417753, ClinGen allele CA402510863.
Genomic context (GRCh38, chr18:50,055,375, plus strand): 5'-AGTCCTTGGTTAACTCAGCTGAGCGCCATACCTCATCAGGGTCAGGGATCCAGACCCTTG[T>G]GCACTGAAAGATTAAAACAGAAGAAACTTAGATACAGAACAAAGCTCTCAGATTTCTAAA-3'
Protein context (NP_001073936.1, residues 1-21): MSVGELYSQC[Thr11Pro]RVWIPDPDEV

ClinVar aggregate classification (germline): Uncertain significance (1 of 4 stars; one submission).

Allele frequency attached by ClinVar (database versions not stated): gnomAD exomes below 0.00001.
gnomAD v4.1: 3 of 1,613,134 alleles (0.00019%); highest among the groups gnomAD compares: Non-Finnish European, 0.00025%; no homozygotes.

Submission:

Labcorp Genetics (formerly Invitae), Labcorp
Classification: Uncertain significance. Last evaluated: 2021-09-19. Review status: criteria provided, single submitter. Criteria: Invitae Variant Classification Sherloc (09022015). Collection method: clinical testing. Allele origin: germline.
Comment: In summary, the available evidence is currently insufficient to determine the role of this variant in disease. Therefore, it has been classified as a Variant of Uncertain Significance. Algorithms developed to predict the effect of missense changes on protein structure and function are either unavailable or do not agree on the potential impact of this missense change (SIFT: "Deleterious"; PolyPhen-2: "Probably Damaging"; Align-GVGD: "Class C0"). This variant has not been reported in the literature in individuals affected with MYO5B-related conditions. This variant is not present in population databases (ExAC no frequency). This sequence change replaces threonine with proline at codon 11 of the MYO5B protein (p.Thr11Pro). The threonine residue is highly conserved and there is a small physicochemical difference between threonine and proline.